The following is an entry in ClinVar:

ClinVar aggregate classification (germline): Likely pathogenic (1 of 4 stars; one submission).

Conditions:
Polycystic kidney disease, adult type (PKD1). Also called: POLYCYSTIC KIDNEY DISEASE 1 WITH OR WITHOUT POLYCYSTIC LIVER DISEASE; POLYCYSTIC KIDNEY DISEASE, ADULT, TYPE I; Polycystic Kidney Disease 1, Autosomal Dominant; Polycystic kidney disease 1; Polycystic kidney disease 1, severe; Polycystic Kidney, Autosomal Dominant. Identifiers: MedGen C3149841, MONDO:0008263, OMIM 173900.

Submission:

Juno Genomics, Hangzhou Juno Genomics, Inc
Classification: Likely pathogenic for Polycystic kidney disease, adult type. Review status: criteria provided, single submitter. Criteria: ACMG Guidelines, 2015. Collection method: clinical testing. Allele origin: germline. Affected: yes.
Comment: Absent from controls (or at extremely low frequency if recessive) in Genome Aggregation Database.;Null variant in a gene where loss of function (LOF) is a known mechanism of disease.

NM_001009944.3(PKD1):c.3533dup (p.Asn1178fs)

Gene: PKD1 (polycystin 1, transient receptor potential channel interacting; minus strand). Cytogenetic location: 16p13.3.
Variant type: Duplication.
Coding change: c.3533dup on transcript NM_001009944.3 (MANE Select); coding-DNA position 3533, one base duplicated (A; older notation c.3533dupA).
Protein change: p.Asn1178fs; shifts the reading frame from asparagine 1178.
Molecular consequence: frameshift variant.
Genome position (GRCh38, 1-based): chr16:2,111,634, T duplicated on the plus strand (A on the coding strand, the reverse complement: PKD1 is on the minus strand); the first of 2 consecutive T bases (chr16:2,111,634-2,111,635); duplicating either gives the same sequence. VCF-style (leftmost placement, unchanged base first): chr16-2111633-G-GT. GRCh37 (hg19) VCF-style: chr16-2161634-G-GT.
Other names: c.3533dup, p.Asn1178fs (NM_000296.4); short protein forms N1178fs.
Identifiers: ClinVar variation 5019888 (VCV005019888.1).